The following is an entry in ClinVar:

ClinVar aggregate classification (germline): Conflicting classifications of pathogenicity. Review status: criteria provided, conflicting classifications (1 of 4 stars). 2 submissions from 2 submitters: Uncertain significance (1); Likely benign (1). Last evaluated 2025-10-29.

Conditions:
Pyogenic arthritis-pyoderma gangrenosum-acne syndrome (PAPA). Also called: FAMILIAL RECURRENT ARTHRITIS; PAPA SYNDROME. Identifiers: Orphanet 69126, MedGen C1858361, MONDO:0011462, OMIM 604416.

Allele frequency attached by ClinVar (database versions not stated): TOPMed 0.00002.
gnomAD v4.1: 29 of 1,612,498 alleles (0.0018%); highest among the groups gnomAD compares: Non-Finnish European, 0.0024%; no homozygotes.

Submissions (2):

Labcorp Genetics (formerly Invitae), Labcorp
Classification: Uncertain significance for Pyogenic arthritis-pyoderma gangrenosum-acne syndrome. Last evaluated: 2025-10-29. Review status: criteria provided, single submitter. Criteria: Invitae Variant Classification Sherloc (09022015). Collection method: clinical testing. Allele origin: germline.
Comment: This sequence change affects codon 279 of the PSTPIP1 mRNA. It is a 'silent' change, meaning that it does not change the encoded amino acid sequence of the PSTPIP1 protein. It affects a nucleotide within the consensus splice site. This variant is present in population databases (rs149195362, gnomAD 0.004%). This variant has not been reported in the literature in individuals affected with PSTPIP1-related conditions. ClinVar contains an entry for this variant (Variation ID: 391240). Algorithms developed to predict the effect of sequence changes on RNA splicing suggest that this variant is not likely to affect RNA splicing. In summary, the available evidence is currently insufficient to determine the role of this variant in disease. Therefore, it has been classified as a Variant of Uncertain Significance.

GeneDx
Classification: Likely benign. Last evaluated: 2016-12-02. Review status: criteria provided, single submitter. Criteria: GeneDx Variant Classification (06012015). Collection method: clinical testing. Allele origin: germline. Affected: yes.
Comment: This variant is considered likely benign or benign based on one or more of the following criteria: it is a conservative change, it occurs at a poorly conserved position in the protein, it is predicted to be benign by multiple in silico algorithms, and/or has population frequency not consistent with disease.

NM_003978.5(PSTPIP1):c.837C>G (p.Pro279=)

Gene: PSTPIP1 (proline-serine-threonine phosphatase interacting protein 1; plus strand). Cytogenetic location: 15q24.3.
Variant type: single nucleotide variant.
Coding change: c.837C>G on transcript NM_003978.5 (MANE Select); coding-DNA position 837, C replaced by G.
Protein change: p.Pro279=; no amino-acid change (proline 279 retained).
Molecular consequence: synonymous variant.
Genome position (GRCh38, 1-based): chr15:77,032,393, C>G. VCF-style: chr15-77032393-C-G. GRCh37 (hg19) VCF-style: chr15-77324734-C-G.
Other names: c.837C>G (LRG_172t1); c.837C>G, p.Pro279= (NM_001321135.2); c.810C>G, p.Pro270= (NM_001321136.2); c.1032C>G, p.Pro344= (NM_001321137.1).
Identifiers: ClinVar variation 391240 (VCV000391240.6), dbSNP rs149195362, ClinGen allele CA7675995.